The following is an entry in ClinVar:

ClinVar aggregate classification (germline): Uncertain significance. Review status: criteria provided, multiple submitters, no conflicts (2 of 4 stars). 2 submissions from 2 submitters: Uncertain significance (2). Last evaluated 2025-11-26.

Conditions:
Inborn genetic diseases. Identifiers: MedGen C0950123, MeSH D030342.

Allele frequency attached by ClinVar (database versions not stated): TOPMed below 0.00001; ExAC 0.00001; gnomAD exomes 0.00001.
gnomAD v4.1: 13 of 1,613,132 alleles (0.00081%); highest among the groups gnomAD compares: South Asian, 0.012%; no homozygotes.

Submissions (2):

Ambry Genetics
Classification: Uncertain significance for Inborn genetic diseases. Last evaluated: 2025-11-26. Review status: criteria provided, single submitter. Criteria: Ambry Variant Classification Scheme 2023. Collection method: clinical testing. Allele origin: germline.

Labcorp Genetics (formerly Invitae), Labcorp
Classification: Uncertain significance. Last evaluated: 2024-04-17. Review status: criteria provided, single submitter. Criteria: Invitae Variant Classification Sherloc (09022015). Collection method: clinical testing. Allele origin: germline.
Comment: This sequence change replaces valine, which is neutral and non-polar, with alanine, which is neutral and non-polar, at codon 302 of the DDX58 protein (p.Val302Ala). This variant is present in population databases (rs773862524, gnomAD 0.01%). This variant has not been reported in the literature in individuals affected with DDX58-related conditions. ClinVar contains an entry for this variant (Variation ID: 1942190). Advanced modeling of protein sequence and biophysical properties (such as structural, functional, and spatial information, amino acid conservation, physicochemical variation, residue mobility, and thermodynamic stability) performed at Invitae indicates that this missense variant is expected to disrupt DDX58 protein function with a positive predictive value of 80%. In summary, the available evidence is currently insufficient to determine the role of this variant in disease. Therefore, it has been classified as a Variant of Uncertain Significance.

NM_014314.4(RIGI):c.905T>C (p.Val302Ala)

Gene: RIGI (RNA sensor RIG-I; minus strand). Cytogenetic location: 9p21.1.
Variant type: single nucleotide variant.
Coding change: c.905T>C on transcript NM_014314.4 (MANE Select); coding-DNA position 905, T replaced by C.
Protein change: p.Val302Ala; replaces valine 302 with alanine.
Molecular consequence: missense variant.
Genome position (GRCh38, 1-based): chr9:32,488,782, A>G on the plus strand (T>C on the coding strand, the complement: RIGI is on the minus strand). VCF-style: chr9-32488782-A-G. GRCh37 (hg19) VCF-style: chr9-32488780-A-G.
Other names: c.905T>C (NM_014314.3); c.905T>C, p.Val302Ala (NM_001385907.1, NM_001385909.1); c.464T>C, p.Val155Ala (NM_001385910.1); c.296T>C, p.Val99Ala (NM_001385912.1); c.890T>C, p.Val297Ala (NM_001385913.1); c.461T>C, p.Val154Ala (NM_001385914.1); short protein forms V154A, V297A, V99A, V155A, V302A.
Identifiers: ClinVar variation 1942190 (VCV001942190.6), dbSNP rs773862524, ClinGen allele CA5019961.